The following is an entry in ClinVar:

NM_001875.5(CPS1):c.2821del (p.Val941fs)

Gene: CPS1 (carbamoyl-phosphate synthase 1; plus strand). Cytogenetic location: 2q34.
Variant type: Deletion.
Coding change: c.2821del on transcript NM_001875.5 (MANE Select); coding-DNA position 2821, one base deleted (G; older notation c.2821delG).
Protein change: p.Val941fs; shifts the reading frame from valine 941.
Molecular consequence: frameshift variant. On other transcripts: non-coding transcript variant (2).
Genome position (GRCh38, 1-based): chr2:210,637,835, G deleted; the last of 3 consecutive G bases (chr2:210,637,833-210,637,835); deleting any one gives the same sequence. VCF-style (leftmost placement, unchanged base first): chr2-210637832-TG-T. GRCh37 (hg19) VCF-style: chr2-211502556-TG-T.
Other names: c.2821del, p.Val941fs (NM_001122633.3, NM_001369257.1); c.2854del, p.Val952fs (NM_001369256.1); short protein forms V941fs, V952fs.
Identifiers: ClinVar variation 5015748 (VCV005015748.1).

ClinVar aggregate classification (germline): Pathogenic (1 of 4 stars; one submission).

Conditions:
Congenital hyperammonemia, type I. Also called: CPS I DEFICIENCY; Carbamoyl phosphate synthetase 1 deficiency; Hyperammonemia due to carbamoyl phosphate synthetase 1 deficiency; CPS 1 deficiency; Carbamyl phosphate synthetase (CPS) deficiency; Carbamoyl phosphate synthetase I deficiency disease. Identifiers: Orphanet 147, MedGen C4082171, MONDO:0009376, OMIM 237300.

Submission:

Myriad Genetics, Inc.
Classification: Pathogenic for Congenital hyperammonemia, type I. Last evaluated: 2026-03-29. Review status: criteria provided, single submitter. Criteria: Myriad Autosomal Dominant, Autosomal Recessive and X-Linked Classification Criteria (2023). Collection method: clinical testing. Allele origin: unknown.
Comment: NM_001875.4(CPS1):c.2821delG(V941Lfs*14) is expected to be pathogenic in the context of carbamoylphosphate synthetase I deficiency. This variant is predicted to lead to an abnormal or absent protein product due to the creation of a premature termination codon in CPS1, a gene where loss-of-function variants are known to be pathogenic. Please note: this variant was assessed in the context of healthy population screening.